The following is an entry in ClinVar:

ClinVar aggregate classification (germline): Uncertain significance (1 of 4 stars; one submission).

Conditions:
Holoprosencephaly 11 (HPE11). Identifiers: Orphanet 2162, MedGen C3280215, MONDO:0013642, OMIM 614226.

Submission:

Labcorp Genetics (formerly Invitae), Labcorp
Classification: Uncertain significance for Holoprosencephaly 11. Last evaluated: 2022-08-16. Review status: criteria provided, single submitter. Criteria: Invitae Variant Classification Sherloc (09022015). Collection method: clinical testing. Allele origin: germline.
Comment: A copy number gain of the genomic region encompassing the full coding sequence of the CDON gene has been identified. The boundaries of this event are unknown as they extend beyond the assayed region for this gene and therefore may encompass additional genes. As the precise location of this event is unknown, it may be in tandem or it may be located elsewhere in the genome. This variant has not been reported in the literature in individuals affected with CDON-related conditions. In summary, the available evidence is currently insufficient to determine the role of this variant in disease. Therefore, it has been classified as a Variant of Uncertain Significance.

NC_000011.9:g.(?_123504851)_(126163012_?)dup

Genes: ACRV1 (acrosomal vesicle protein 1; minus strand), CCDC15 (coiled-coil domain containing 15; plus strand), CDON (cell adhesion associated, oncogene regulated; minus strand), CHEK1 (checkpoint kinase 1; plus strand), DDX25 (DEAD-box helicase 25; plus strand) and 53 more. Cytogenetic location: 11q24.1-24.2.
Variant type: Duplication.
Identifiers: ClinVar variation 1375927 (VCV001375927.5).